The following is an entry in ClinVar:

NM_139318.5(KCNH5):c.2200C>T (p.Leu734Phe)

Gene: KCNH5 (potassium voltage-gated channel subfamily H member 5; minus strand). Cytogenetic location: 14q23.2.
Variant type: single nucleotide variant.
Coding change: c.2200C>T on transcript NM_139318.5 (MANE Select); coding-DNA position 2200, C replaced by T.
Protein change: p.Leu734Phe; replaces leucine 734 with phenylalanine.
Molecular consequence: missense variant. On other transcripts: 3 prime UTR variant (1).
Genome position (GRCh38, 1-based): chr14:62,708,275, G>A on the plus strand (C>T on the coding strand, the complement: KCNH5 is on the minus strand). VCF-style: chr14-62708275-G-A. GRCh37 (hg19) VCF-style: chr14-63174993-G-A.
Other names: c.*167C>T (NM_172375.3); short protein forms L734F.
Identifiers: ClinVar variation 4769326 (VCV004769326.1).

ClinVar aggregate classification (germline): Uncertain significance (1 of 4 stars; one submission).

Conditions:
Early-infantile DEE. Also called: Ohtahara syndrome; Early infantile epileptic encephalopathy with suppression bursts; Early infantile epileptic encephalopathy. Identifiers: Orphanet 1934, MedGen C0393706, MONDO:0800491.

gnomAD v4.1: 2 of 1,614,192 alleles (0.00012%); highest among the groups gnomAD compares: Non-Finnish European, 0.00017%; no homozygotes.

Submission:

Labcorp Genetics (formerly Invitae), Labcorp
Classification: Uncertain significance for Early-infantile DEE. Last evaluated: 2025-04-23. Review status: criteria provided, single submitter. Criteria: Invitae Variant Classification Sherloc (09022015). Collection method: clinical testing. Allele origin: germline.
Comment: This sequence change replaces leucine, which is neutral and non-polar, with phenylalanine, which is neutral and non-polar, at codon 734 of the KCNH5 protein (p.Leu734Phe). This variant is present in population databases (rs375453221, gnomAD 0.0009%). This variant has not been reported in the literature in individuals affected with KCNH5-related conditions. Invitae Evidence Modeling of protein sequence and biophysical properties (such as structural, functional, and spatial information, amino acid conservation, physicochemical variation, residue mobility, and thermodynamic stability) indicates that this missense variant is not expected to disrupt KCNH5 protein function with a negative predictive value of 95%. In summary, the available evidence is currently insufficient to determine the role of this variant in disease. Therefore, it has been classified as a Variant of Uncertain Significance.